The following is an entry in ClinVar:

NM_000399.5(EGR2):c.1399G>A (p.Ala467Thr)

Gene: EGR2 (early growth response 2; minus strand). Cytogenetic location: 10q21.3.
Variant type: single nucleotide variant.
Coding change: c.1399G>A on transcript NM_000399.5 (MANE Select); coding-DNA position 1399, G replaced by A.
Protein change: p.Ala467Thr; replaces alanine 467 with threonine.
Molecular consequence: missense variant.
Genome position (GRCh38, 1-based): chr10:62,813,239, C>T on the plus strand (G>A on the coding strand, the complement: EGR2 is on the minus strand). VCF-style: chr10-62813239-C-T. GRCh37 (hg19) VCF-style: chr10-64572999-C-T.
Other names: c.1399G>A, p.Ala467Thr (NM_001136177.3, NM_001136178.2); c.1249G>A, p.Ala417Thr (NM_001136179.3, NM_001321037.2); c.1399G>A (NM_000399.3); short protein forms A417T, A467T.
Identifiers: ClinVar variation 1396171 (VCV001396171.9), dbSNP rs146116229, ClinGen allele CA5517143.

ClinVar aggregate classification (germline): Uncertain significance. Review status: criteria provided, multiple submitters, no conflicts (2 of 4 stars). 2 submissions from 2 submitters: Uncertain significance (2). Last evaluated 2024-11-10.

Conditions:
Charcot-Marie-Tooth disease, type I (CMT1). Also called: Charcot-Marie-Tooth disease type 1; Charcot-Marie-Tooth, Type 1. Identifiers: Orphanet 65753, MedGen C0751036, MONDO:0019011.

gnomAD v4.1: 6 of 1,567,210 alleles (0.00038%); highest among the groups gnomAD compares: African/African-American, 0.0014%; no homozygotes.

Submissions (2):

GeneDx
Classification: Uncertain significance. Last evaluated: 2024-11-10. Review status: criteria provided, single submitter. Criteria: GeneDx Variant Classification Process June 2021. Collection method: clinical testing. Allele origin: germline. Affected: yes.
Comment: In silico analysis indicates that this missense variant does not alter protein structure/function; Has not been previously published as pathogenic or benign to our knowledge

Labcorp Genetics (formerly Invitae), Labcorp
Classification: Uncertain significance for Charcot-Marie-Tooth disease, type I. Last evaluated: 2022-02-05. Review status: criteria provided, single submitter. Criteria: Invitae Variant Classification Sherloc (09022015). Collection method: clinical testing. Allele origin: germline.
Comment: Algorithms developed to predict the effect of missense changes on protein structure and function output the following: SIFT: "Not Available"; PolyPhen-2: "Not Available"; Align-GVGD: "Not Available". The threonine amino acid residue is found in multiple mammalian species, which suggests that this missense change does not adversely affect protein function. This sequence change replaces alanine, which is neutral and non-polar, with threonine, which is neutral and polar, at codon 467 of the EGR2 protein (p.Ala467Thr). The frequency data for this variant in the population databases is considered unreliable, as metrics indicate poor data quality at this position in the gnomAD database. This variant has not been reported in the literature in individuals affected with EGR2-related conditions. In summary, the available evidence is currently insufficient to determine the role of this variant in disease. Therefore, it has been classified as a Variant of Uncertain Significance.